The following is an entry in ClinVar:

NM_001367624.2(ZNF469):c.2812G>A (p.Ala938Thr)

Gene: ZNF469 (zinc finger protein 469; plus strand). Cytogenetic location: 16q24.2.
Variant type: single nucleotide variant.
Coding change: c.2812G>A on transcript NM_001367624.2 (MANE Select); coding-DNA position 2812, G replaced by A.
Protein change: p.Ala938Thr; replaces alanine 938 with threonine.
Molecular consequence: missense variant.
Genome position (GRCh38, 1-based): chr16:88,430,282, G>A. VCF-style: chr16-88430282-G-A. GRCh37 (hg19) VCF-style: chr16-88496690-G-A.
Other names: NM_001127464.1:c.2812G>A; p.Ala938Thr; short protein forms A938T.
Identifiers: ClinVar variation 1432444 (VCV001432444.22), dbSNP rs760409743, ClinGen allele CA8224805.

ClinVar aggregate classification (germline): Conflicting classifications of pathogenicity. Review status: criteria provided, conflicting classifications (1 of 4 stars). 6 submissions from 6 submitters: Uncertain significance (4); Benign (1); Likely benign (1). Last evaluated 2026-04-06.

Conditions:
Cardiovascular phenotype. Identifiers: MedGen CN230736.

Allele frequency attached by ClinVar (database versions not stated): gnomAD 0.00011; TOPMed 0.00013; gnomAD exomes 0.00014 and 0.00015; ExAC 0.00020.
gnomAD v4.1: 198 of 1,514,624 alleles (0.013%); highest among the groups gnomAD compares: Non-Finnish European, 0.016%; no homozygotes.

Submissions (6):

Women's Health and Genetics/Laboratory Corporation of America, LabCorp
Classification: Uncertain significance. Last evaluated: 2026-04-06. Review status: criteria provided, single submitter. Criteria: LabCorp Variant Classification Summary - May 2015. Collection method: clinical testing. Allele origin: germline.
Comment: Variant summary: ZNF469 c.2812G>A (p.Ala938Thr) results in a non-conservative amino acid change in the encoded protein sequence. Algorithms developed to predict the effect of missense changes on protein structure and function are either unavailable or do not agree on the potential impact of this missense change. The variant allele was found at a frequency of 0.00015 in 116560 control chromosomes. This frequency is not significantly higher than estimated for disease-causing variants in ZNF469, allowing no conclusion about variant significance. To our knowledge, no occurrence of c.2812G>A in individuals affected with Brittle cornea syndrome 1 and no experimental evidence demonstrating its impact on protein function have been reported. The following publication have been ascertained in the context of this evaluation (PMID: 27234373). ClinVar contains an entry for this variant (Variation ID: 1432444). Based on the evidence outlined above, the variant was classified as uncertain significance.

CeGaT Center for Human Genetics Tuebingen
Classification: Uncertain significance. Last evaluated: 2025-01-01. Review status: criteria provided, single submitter. Criteria: CeGaT Center For Human Genetics Tuebingen Variant Classification Criteria Version 2. Collection method: clinical testing. Allele origin: germline. Affected: yes. Observed: 1 variant allele.
Comment: ZNF469: PM2, BP4

GeneDx
Classification: Uncertain significance. Last evaluated: 2024-04-19. Review status: criteria provided, single submitter. Criteria: GeneDx Variant Classification Process June 2021. Collection method: clinical testing. Allele origin: germline. Affected: yes.
Comment: In silico analysis supports that this missense variant does not alter protein structure/function; Has not been previously published as pathogenic or benign to our knowledge

Mayo Clinic Laboratories, Mayo Clinic
Classification: Benign. Last evaluated: 2023-08-17. Review status: criteria provided, single submitter. Criteria: ACMG Guidelines, 2015. Collection method: clinical testing. Allele origin: germline. Observed: 4 variant alleles.
Comment: BS1, BP4_strong

Labcorp Genetics (formerly Invitae), Labcorp
Classification: Uncertain significance. Last evaluated: 2022-10-18. Review status: criteria provided, single submitter. Criteria: Invitae Variant Classification Sherloc (09022015). Collection method: clinical testing. Allele origin: germline.
Comment: This sequence change replaces alanine, which is neutral and non-polar, with threonine, which is neutral and polar, at codon 938 of the ZNF469 protein (p.Ala938Thr). This variant is present in population databases (rs760409743, gnomAD 0.05%). This variant has not been reported in the literature in individuals affected with ZNF469-related conditions. ClinVar contains an entry for this variant (Variation ID: 1432444). Algorithms developed to predict the effect of missense changes on protein structure and function output the following: SIFT: "Deleterious"; PolyPhen-2: "Benign"; Align-GVGD: "Class C0". The threonine amino acid residue is found in multiple mammalian species, which suggests that this missense change does not adversely affect protein function. In summary, the available evidence is currently insufficient to determine the role of this variant in disease. Therefore, it has been classified as a Variant of Uncertain Significance.

Ambry Genetics
Classification: Likely benign for Cardiovascular phenotype. Last evaluated: 2022-03-08. Review status: criteria provided, single submitter. Criteria: Ambry Variant Classification Scheme 2023. Collection method: clinical testing. Allele origin: germline.

Literature cited by the submitters: PubMed 27234373 (cited by Women's Health and Genetics/Laboratory Corporation of America, LabCorp and Ambry Genetics).